The following is an entry in ClinVar:

NM_004304.5(ALK):c.4073+5G>A

Gene: ALK (ALK receptor tyrosine kinase; minus strand). Cytogenetic location: 2p23.2.
Variant type: single nucleotide variant.
Coding change: c.4073+5G>A on transcript NM_004304.5 (MANE Select); 5 bases into the intron after coding-DNA position 4073, G replaced by A.
Molecular consequence: intron variant.
Genome position (GRCh38, 1-based): chr2:29,197,537, C>T on the plus strand (G>A on the coding strand, the complement: ALK is on the minus strand). VCF-style: chr2-29197537-C-T. GRCh37 (hg19) VCF-style: chr2-29420403-C-T.
Other names: c.869+5G>A (NM_001353765.2).
Identifiers: ClinVar variation 1428764 (VCV001428764.9), dbSNP rs1325951899, ClinGen allele CA425433865.

ClinVar aggregate classification (germline): Uncertain significance. Review status: criteria provided, multiple submitters, no conflicts (2 of 4 stars). 2 submissions from 2 submitters: Uncertain significance (2). Last evaluated 2025-04-01.

Conditions:
Neuroblastoma, susceptibility to, 3. Also called: ALK-Related Neuroblastic Tumor Susceptibility. Identifiers: Orphanet 635, MedGen C2751681, MONDO:0013083, OMIM 613014.
Hereditary cancer-predisposing syndrome. Also called: Hereditary neoplastic syndrome; Tumor predisposition; Hereditary Cancer Syndrome; Neoplastic Syndromes, Hereditary. Identifiers: Orphanet 140162, MedGen C0027672, MeSH D009386, MONDO:0015356.

Allele frequency attached by ClinVar (database versions not stated): gnomAD exomes below 0.00001 and 0.00001; TOPMed below 0.00001.
gnomAD v4.1: 20 of 1,613,344 alleles (0.0012%); highest among the groups gnomAD compares: Non-Finnish European, 0.0017%; no homozygotes.

Submissions (2):

Ambry Genetics
Classification: Uncertain significance for Hereditary cancer-predisposing syndrome. Last evaluated: 2025-04-01. Review status: criteria provided, single submitter. Criteria: Ambry Variant Classification Scheme 2023. Collection method: clinical testing. Allele origin: germline.
Comment: The c.4073+5G>A intronic variant results from a G to A substitution 5 nucleotides after coding exon 27 in the ALK gene. This nucleotide position is highly conserved in available vertebrate species. In silico splice site analysis predicts that this alteration may weaken the native splice donor site. Based on the available evidence, the clinical significance of this variant remains unclear.

Labcorp Genetics (formerly Invitae), Labcorp
Classification: Uncertain significance for Neuroblastoma, susceptibility to, 3. Last evaluated: 2024-06-24. Review status: criteria provided, single submitter. Criteria: Invitae Variant Classification Sherloc (09022015). Collection method: clinical testing. Allele origin: germline.
Comment: This sequence change falls in intron 27 of the ALK gene. It does not directly change the encoded amino acid sequence of the ALK protein. It affects a nucleotide within the consensus splice site. This variant is present in population databases (no rsID available, gnomAD 0.0009%). This variant has not been reported in the literature in individuals affected with ALK-related conditions. ClinVar contains an entry for this variant (Variation ID: 1428764). Variants that disrupt the consensus splice site are a relatively common cause of aberrant splicing (PMID: 17576681, 9536098). Algorithms developed to predict the effect of sequence changes on RNA splicing suggest that this variant is not likely to affect RNA splicing. In summary, the available evidence is currently insufficient to determine the role of this variant in disease. Therefore, it has been classified as a Variant of Uncertain Significance.

Literature cited by the submitters: PubMed 17576681 (cited by Labcorp Genetics (formerly Invitae), Labcorp); PubMed 9536098 (cited by Labcorp Genetics (formerly Invitae), Labcorp).